The following is an entry in ClinVar:

ClinVar aggregate classification (germline): Uncertain significance (1 of 4 stars; one submission).

Conditions:
Left ventricular noncompaction 8 (LVNC8). Identifiers: Orphanet 154, Orphanet 54260, MedGen C3809288, MONDO:0014152, OMIM 615373.

Allele frequency attached by ClinVar (database versions not stated): gnomAD exomes below 0.00001.
gnomAD v4.1: 1 of 1,614,150 alleles (0.000062%); highest among the groups gnomAD compares: Non-Finnish European, 0.000085%; no homozygotes.

Submission:

Labcorp Genetics (formerly Invitae), Labcorp
Classification: Uncertain significance for Left ventricular noncompaction 8. Last evaluated: 2023-09-21. Review status: criteria provided, single submitter. Criteria: Invitae Variant Classification Sherloc (09022015). Collection method: clinical testing. Allele origin: germline.
Comment: In summary, the available evidence is currently insufficient to determine the role of this variant in disease. Therefore, it has been classified as a Variant of Uncertain Significance. An algorithm developed to predict the effect of missense changes on protein structure and function (PolyPhen-2) suggests that this variant is likely to be disruptive. This variant has not been reported in the literature in individuals affected with PRDM16-related conditions. This variant is not present in population databases (gnomAD no frequency). This sequence change replaces valine, which is neutral and non-polar, with phenylalanine, which is neutral and non-polar, at codon 1208 of the PRDM16 protein (p.Val1208Phe).

NM_022114.4(PRDM16):c.3622G>T (p.Val1208Phe)

Gene: PRDM16 (PR/SET domain 16; plus strand). Cytogenetic location: 1p36.32.
Variant type: single nucleotide variant.
Coding change: c.3622G>T on transcript NM_022114.4 (MANE Select); coding-DNA position 3622, G replaced by T.
Protein change: p.Val1208Phe; replaces valine 1208 with phenylalanine.
Molecular consequence: missense variant.
Genome position (GRCh38, 1-based): chr1:3,432,066, G>T. VCF-style: chr1-3432066-G-T. GRCh37 (hg19) VCF-style: chr1-3348630-G-T.
Other names: c.3622G>T, p.Val1208Phe (NM_199454.3); short protein forms V1208F.
Identifiers: ClinVar variation 2871527 (VCV002871527.3), dbSNP rs2523978686, ClinGen allele CA338004681.